The following is an entry in ClinVar:

ClinVar aggregate classification (germline): Uncertain significance (1 of 4 stars; one submission).

gnomAD v4.1: 2 of 1,611,550 alleles (0.00012%); highest among the groups gnomAD compares: Non-Finnish European, 0.00017%; no homozygotes.

Submission:

GeneDx
Classification: Uncertain significance. Last evaluated: 2021-04-14. Review status: criteria provided, single submitter. Criteria: GeneDx Variant Classification Process June 2021. Collection method: clinical testing. Allele origin: germline. Affected: yes.
Comment: Has not been previously published as pathogenic or benign to our knowledge; Not observed in large population cohorts (Lek et al., 2016); In silico analysis supports that this missense variant has a deleterious effect on protein structure/function

NM_001365276.2(TNXB):c.7793G>C (p.Arg2598Pro)

Gene: TNXB (tenascin XB; minus strand). Cytogenetic location: 6p21.33.
Variant type: single nucleotide variant.
Coding change: c.7793G>C on transcript NM_001365276.2 (MANE Select); coding-DNA position 7793, G replaced by C.
Protein change: p.Arg2598Pro; replaces arginine 2598 with proline.
Molecular consequence: missense variant.
Genome position (GRCh38, 1-based): chr6:32,058,090, C>G on the plus strand (G>C on the coding strand, the complement: TNXB is on the minus strand). VCF-style: chr6-32058090-C-G. GRCh37 (hg19) VCF-style: chr6-32025867-C-G.
Other names: c.7793G>C, p.Arg2598Pro (NM_019105.8); short protein forms R2598P.
Identifiers: ClinVar variation 1314792 (VCV001314792.2), dbSNP rs771647661, ClinGen allele CA363550850.